The following is an entry in ClinVar:

ClinVar aggregate classification (germline): Uncertain significance (1 of 4 stars; one submission).

Conditions:
Cardiovascular phenotype. Identifiers: MedGen CN230736.

Submission:

Ambry Genetics
Classification: Uncertain significance for Cardiovascular phenotype. Last evaluated: 2025-09-25. Review status: criteria provided, single submitter. Criteria: Ambry Variant Classification Scheme 2023. Collection method: clinical testing. Allele origin: germline.
Comment: The p.S2141F variant (also known as c.6422C>T), located in coding exon 2 of the ZNF469 gene, results from a C to T substitution at nucleotide position 6422. The serine at codon 2141 is replaced by phenylalanine, an amino acid with highly dissimilar properties. This amino acid position is conserved. In addition, this alteration is predicted to be tolerated by in silico analysis. Based on the available evidence, the clinical significance of this variant remains unclear.

NM_001127464.1:c.6422C>T

Gene: ZNF469 (zinc finger protein 469; plus strand).
Variant type: single nucleotide variant.
Identifiers: ClinVar variation 4615444 (VCV004615444.1).